The following is an entry in ClinVar:

NM_020975.6(RET):c.3220C>G (p.Pro1074Ala)

Gene: RET (ret proto-oncogene; plus strand). Cytogenetic location: 10q11.21.
Variant type: single nucleotide variant.
Coding change: c.3220C>G on transcript NM_020975.6 (MANE Select); coding-DNA position 3220, C replaced by G.
Protein change: p.Pro1074Ala; replaces proline 1074 with alanine.
Molecular consequence: missense variant.
Genome position (GRCh38, 1-based): chr10:43,128,144, C>G. VCF-style: chr10-43128144-C-G. GRCh37 (hg19) VCF-style: chr10-43623592-C-G.
Other names: c.3220C>G, p.Pro1074Ala (NM_000323.2, NM_001406743.1); c.*1390C>G (NM_001355216.2, NM_001406764.1, NM_001406765.1 and 15 more transcripts); c.3160C>G, p.Pro1054Ala (NM_001406759.1, NM_001406760.1); c.3091C>G, p.Pro1031Ala (NM_001406761.1, NM_001406762.1); c.3085C>G, p.Pro1029Ala (NM_001406763.1); c.2932C>G, p.Pro978Ala (NM_001406766.1, NM_001406767.1); c.2824C>G, p.Pro942Ala (NM_001406769.1); c.2782C>G, p.Pro928Ala (NM_001406771.1); and 7 more; short protein forms P1054A, P591A, P775A, P928A, P1074A, P571A, P732A, P812A.
Identifiers: ClinVar variation 1729078 (VCV001729078.2), dbSNP rs2538661089, ClinGen allele CA376558890.

ClinVar aggregate classification (germline): Uncertain significance (1 of 4 stars; one submission).

Conditions:
Hereditary cancer-predisposing syndrome. Also called: Tumor predisposition; Neoplastic Syndromes, Hereditary; Hereditary Cancer Syndrome; Hereditary neoplastic syndrome. Identifiers: Orphanet 140162, MedGen C0027672, MeSH D009386, MONDO:0015356.

Submission:

Ambry Genetics
Classification: Uncertain significance for Hereditary cancer-predisposing syndrome. Last evaluated: 2021-09-16. Review status: criteria provided, single submitter. Criteria: Ambry Variant Classification Scheme 2023. Collection method: clinical testing. Allele origin: germline.
Comment: The p.P1074A variant (also known as c.3220C>G), located in coding exon 20 of the RET gene, results from a C to G substitution at nucleotide position 3220. The proline at codon 1074 is replaced by alanine, an amino acid with highly similar properties. This amino acid position is highly conserved in available vertebrate species. In addition, the in silico prediction for this alteration is inconclusive. Since supporting evidence is limited at this time, the clinical significance of this alteration remains unclear.